The following is an entry in ClinVar:

ClinVar aggregate classification (germline): Uncertain significance (1 of 4 stars; one submission).

Submission:

Labcorp Genetics (formerly Invitae), Labcorp
Classification: Uncertain significance. Last evaluated: 2022-05-31. Review status: criteria provided, single submitter. Criteria: Invitae Variant Classification Sherloc (09022015). Collection method: clinical testing. Allele origin: germline.
Comment: This sequence change replaces asparagine, which is neutral and polar, with serine, which is neutral and polar, at codon 337 of the KPNA7 protein (p.Asn337Ser). This variant is not present in population databases (gnomAD no frequency). This variant has not been reported in the literature in individuals affected with KPNA7-related conditions. Algorithms developed to predict the effect of missense changes on protein structure and function output the following: SIFT: "Tolerated"; PolyPhen-2: "Benign"; Align-GVGD: "Class C0". The serine amino acid residue is found in multiple mammalian species, which suggests that this missense change does not adversely affect protein function. In summary, the available evidence is currently insufficient to determine the role of this variant in disease. Therefore, it has been classified as a Variant of Uncertain Significance.

NM_001145715.3(KPNA7):c.1010A>G (p.Asn337Ser)

Gene: KPNA7 (karyopherin subunit alpha 7; minus strand). Cytogenetic location: 7q22.1.
Variant type: single nucleotide variant.
Coding change: c.1010A>G on transcript NM_001145715.3 (MANE Select); coding-DNA position 1010, A replaced by G.
Protein change: p.Asn337Ser; replaces asparagine 337 with serine.
Molecular consequence: missense variant.
Genome position (GRCh38, 1-based): chr7:99,185,053, T>C on the plus strand (A>G on the coding strand, the complement: KPNA7 is on the minus strand). VCF-style: chr7-99185053-T-C. GRCh37 (hg19) VCF-style: chr7-98782676-T-C.
Other names: short protein forms N337S.
Identifiers: ClinVar variation 2001397 (VCV002001397.1), dbSNP rs1789505822, ClinGen allele CA368419320.